The following is an entry in ClinVar:

NM_000551.4(VHL):c.607_608del (p.Gln203fs)

Genes: VHL (von Hippel-Lindau tumor suppressor; plus strand), LOC107303340 (3p25 von Hippel-Lindau tumor suppressor, E3 ubiquitin protein ligase Alu-mediated recombination region; plus strand). Cytogenetic location: 3p25.3.
Variant type: Microsatellite.
Coding change: c.607_608del on transcript NM_000551.4 (MANE Select); coding-DNA positions 607 to 608, 2 bases deleted (CA; older notation c.607_608delCA).
Protein change: p.Gln203fs; shifts the reading frame from glutamine 203.
Molecular consequence: frameshift variant. On other transcripts: 3 prime UTR variant (1).
Genome position (GRCh38, 1-based): chr3:10,149,930-10,149,931, CA deleted; deleting any 2 consecutive bases within chr3:10,149,927-10,149,931 gives the same sequence; the c. name uses the placement nearest the transcript's 3' end. VCF-style (leftmost placement, unchanged base first): chr3-10149926-GAC-G. GRCh37 (hg19) VCF-style: chr3-10191610-GAC-G.
Other names: c.605_606CA[1], p.Gln203Glyfs (NM_000551.3); c.*159CA[1] (NM_001354723.2); c.484_485del, p.Gln162fs (NM_198156.3); c.607_608delCA (NM_000551.3); short protein forms Q162fs, Q203fs.
Identifiers: ClinVar variation 1751395 (VCV001751395.2), dbSNP rs2470171381, ClinGen allele CA645529582.

ClinVar aggregate classification (germline): Likely pathogenic (1 of 4 stars; one submission).

Conditions:
Hereditary cancer-predisposing syndrome. Also called: Hereditary Cancer Syndrome; Hereditary neoplastic syndrome; Neoplastic Syndromes, Hereditary; Tumor predisposition. Identifiers: Orphanet 140162, MedGen C0027672, MeSH D009386, MONDO:0015356.

Submission:

Ambry Genetics
Classification: Likely pathogenic for Hereditary cancer-predisposing syndrome. Last evaluated: 2021-11-11. Review status: criteria provided, single submitter. Criteria: Ambry Variant Classification Scheme 2023. Collection method: clinical testing. Allele origin: germline.
Comment: The c.607_608delCA variant, located in coding exon 3 of the VHL gene, results from a deletion of two nucleotides at nucleotide positions 607 to 608, causing a translational frameshift with a predicted alternate stop codon (p.Q203Gfs*52). This alteration occurs at the 3' terminus of theVHL gene, is not expected to trigger nonsense-mediated mRNAdecay and results in the elongation of the protein by 40 amino acids. This frameshift impacts the last 5%, 11 amino acids, of the native protein. However, frameshifts are typically deleterious in nature. This variant has been reported in three individuals from one family with von Hippel-Lindau (Dollfus H et al. Invest Ophthalmol Vis Sci, 2002 Sep;43:3067-74; Gallou C et al. Hum Mutat, 2004 Sep;24:215-24). In addition, this alteration has been observed in at least one individual with a personal and/or family history that is consistent with VHL-related disease (Ambry internal data). Based on the majority of available evidence to date, this variant is likely to be pathogenic.

Literature cited by the submitters: PubMed 12202531; PubMed 15300849; PubMed 32980744.